The following is an entry in ClinVar:

ClinVar aggregate classification (germline): Uncertain significance (1 of 4 stars; one submission).

Allele frequency attached by ClinVar (database versions not stated): gnomAD exomes below 0.00001.
gnomAD v4.1: 3 of 1,534,560 alleles (0.0002%); highest among the groups gnomAD compares: Non-Finnish European, 0.00027%; no homozygotes.

Submission:

Labcorp Genetics (formerly Invitae), Labcorp
Classification: Uncertain significance. Last evaluated: 2023-06-16. Review status: criteria provided, single submitter. Criteria: Invitae Variant Classification Sherloc (09022015). Collection method: clinical testing. Allele origin: germline.
Comment: In summary, the available evidence is currently insufficient to determine the role of this variant in disease. Therefore, it has been classified as a Variant of Uncertain Significance. Experimental studies and prediction algorithms are not available or were not evaluated, and the functional significance of this variant is currently unknown. This variant has not been reported in the literature in individuals affected with POLR3F-related conditions. This variant is not present in population databases (gnomAD no frequency). This sequence change replaces isoleucine, which is neutral and non-polar, with valine, which is neutral and non-polar, at codon 13 of the POLR3F protein (p.Ile13Val).

NM_006466.4(POLR3F):c.160A>G (p.Ile54Val)

Gene: POLR3F (RNA polymerase III subunit F; plus strand). Cytogenetic location: 20p11.23.
Variant type: single nucleotide variant.
Coding change: c.160A>G on transcript NM_006466.4 (MANE Select); coding-DNA position 160, A replaced by G.
Protein change: p.Ile54Val; replaces isoleucine 54 with valine.
Molecular consequence: missense variant. On other transcripts: non-coding transcript variant (1).
Genome position (GRCh38, 1-based): chr20:18,469,041, A>G. VCF-style: chr20-18469041-A-G. GRCh37 (hg19) VCF-style: chr20-18449685-A-G.
Other names: c.37A>G, p.Ile13Val (NM_001282526.2); c.160A>G, p.Ile54Val (NM_001410821.1); short protein forms I13V, I54V.
Identifiers: ClinVar variation 2796528 (VCV002796528.3), dbSNP rs2517414531, ClinGen allele CA408351114.